The following is an entry in ClinVar:

NM_000169.3(GLA):c.181G>A (p.Asp61Asn)

Genes: GLA (galactosidase alpha; minus strand), RPL36A-HNRNPH2 (RPL36A-HNRNPH2 readthrough; plus strand). Cytogenetic location: Xq22.1.
Variant type: single nucleotide variant.
Coding change: c.181G>A on transcript NM_000169.3 (MANE Select); coding-DNA position 181, G replaced by A.
Protein change: p.Asp61Asn; replaces aspartic acid 61 with asparagine.
Molecular consequence: missense variant. On other transcripts: non-coding transcript variant (3), intron variant (2).
Genome position (GRCh38, 1-based): chrX:101,407,723, C>T on the plus strand (G>A on the coding strand, the complement: GLA is on the minus strand). VCF-style: chrX-101407723-C-T. GRCh37 (hg19) VCF-style: chrX-100662711-C-T.
Other names: c.181G>A, p.Asp61Asn (NM_001406747.1, NM_001406748.1, NM_001406749.1); c.301-4213C>T (NM_001199973.2); c.178-4213C>T (NM_001199974.2); short protein forms D61N.
Identifiers: ClinVar variation 918798 (VCV000918798.4), dbSNP rs1928578650, ClinGen allele CA413936694.

ClinVar aggregate classification (germline): Uncertain significance (1 of 4 stars; one submission).

Conditions:
Fabry disease. Also called: ALPHA-GALACTOSIDASE A DEFICIENCY; ANDERSON-FABRY DISEASE; CERAMIDE TRIHEXOSIDASE DEFICIENCY; GLA DEFICIENCY; HEREDITARY DYSTOPIC LIPIDOSIS; Fabry's disease. Identifiers: Orphanet 324, MedGen C0002986, MONDO:0010526, OMIM 301500, HP:0001071. Disease mechanism: loss of function, Fabry disease is due to inactivating mutations in the X-linked GLA gene resulting in deficiency of the enzyme Alpha Galactosidase-A..

Allele frequency attached by ClinVar (database versions not stated): gnomAD exomes 0.00001.
gnomAD v4.1: 5 of 1,208,234 alleles (0.00041%); highest among the groups gnomAD compares: Non-Finnish European, 0.00056%; no homozygotes.

Submission:

Color Diagnostics, LLC DBA Color Health
Classification: Uncertain significance for Fabry disease. Last evaluated: 2024-03-07. Review status: criteria provided, single submitter. Criteria: ACMG Guidelines, 2015. Collection method: clinical testing. Allele origin: germline.
Comment: This missense variant replaces aspartic acid with asparagine at codon 61 of the GLA protein. Computational prediction tool suggests that this variant may not impact protein structure and function (internally defined REVEL score threshold <=0.5, PMID: 27666373). Splice site prediction tools suggest that this variant may not impact RNA splicing. To our knowledge, functional studies have not been performed for this variant. This variant has not been reported in individuals affected with cardiovascular disorders in the literature. This variant has not been identified in the general population by the Genome Aggregation Database (gnomAD). The available evidence is insufficient to determine the role of this variant in disease conclusively. Therefore, this variant is classified as a Variant of Uncertain Significance.